The following is an entry in ClinVar:

NM_006949.4(STXBP2):c.295T>C (p.Tyr99His)

Gene: STXBP2 (syntaxin binding protein 2; plus strand). Cytogenetic location: 19p13.2.
Variant type: single nucleotide variant.
Coding change: c.295T>C on transcript NM_006949.4 (MANE Select); coding-DNA position 295, T replaced by C.
Protein change: p.Tyr99His; replaces tyrosine 99 with histidine.
Molecular consequence: missense variant. On other transcripts: non-coding transcript variant (1).
Genome position (GRCh38, 1-based): chr19:7,640,779, T>C. VCF-style: chr19-7640779-T-C. GRCh37 (hg19) VCF-style: chr19-7705665-T-C.
Other names: c.286T>C, p.Tyr96His (NM_001127396.3); c.328T>C, p.Tyr110His (NM_001272034.2); c.199T>C, p.Tyr67His (NM_001414484.1); short protein forms Y99H, Y110H, Y67H, Y96H.
Identifiers: ClinVar variation 2007914 (VCV002007914.4), dbSNP rs1354459778, ClinGen allele CA403157485.
Genomic context (GRCh38, chr19:7,640,779, plus strand): 5'-CACCTTCCCCAGTCGGTTCAGGCCCTGATCAAAGACTTCCAGGGGACCCCGACTTTCACC[T>C]ACAAAGCGGCCCATATCTTCTTCACCGACAGTGAGTGAGGAGAGCCTAGGGTGTTGGTGG-3'
Protein context (NP_008880.2, residues 89-109): KDFQGTPTFT[Tyr99His]KAAHIFFTDT

ClinVar aggregate classification (germline): Uncertain significance (1 of 4 stars; one submission).

Conditions:
Familial hemophagocytic lymphohistiocytosis 5. Also called: STXBP2-Related Familial Hemophagocytic Lymphohistiocytosis (STXBP2-fHLH). Identifiers: Orphanet 540, MedGen C2751293, MONDO:0013135, OMIM 613101.

Submission:

Labcorp Genetics (formerly Invitae), Labcorp
Classification: Uncertain significance for Familial hemophagocytic lymphohistiocytosis 5. Last evaluated: 2022-06-18. Review status: criteria provided, single submitter. Criteria: Invitae Variant Classification Sherloc (09022015). Collection method: clinical testing. Allele origin: germline.
Comment: In summary, the available evidence is currently insufficient to determine the role of this variant in disease. Therefore, it has been classified as a Variant of Uncertain Significance. Algorithms developed to predict the effect of missense changes on protein structure and function are either unavailable or do not agree on the potential impact of this missense change (SIFT: "Deleterious"; PolyPhen-2: "Probably Damaging"; Align-GVGD: "Class C0"). This variant has not been reported in the literature in individuals affected with STXBP2-related conditions. This variant is present in population databases (no rsID available, gnomAD 0.006%). This sequence change replaces tyrosine, which is neutral and polar, with histidine, which is basic and polar, at codon 99 of the STXBP2 protein (p.Tyr99His).